The following is an entry in ClinVar:

NM_001378418.1(TCF20):c.1766T>C (p.Met589Thr)

Gene: TCF20 (transcription factor 20; minus strand). Cytogenetic location: 22q13.2.
Variant type: single nucleotide variant.
Coding change: c.1766T>C on transcript NM_001378418.1 (MANE Select); coding-DNA position 1766, T replaced by C.
Protein change: p.Met589Thr; replaces methionine 589 with threonine.
Molecular consequence: missense variant.
Genome position (GRCh38, 1-based): chr22:42,213,540, A>G on the plus strand (T>C on the coding strand, the complement: TCF20 is on the minus strand). VCF-style: chr22-42213540-A-G. GRCh37 (hg19) VCF-style: chr22-42609546-A-G.
Other names: c.1766T>C, p.Met589Thr (NM_005650.4, NM_181492.3); short protein forms M589T.
Identifiers: ClinVar variation 2580527 (VCV002580527.1), dbSNP rs2518233080, ClinGen allele CA411790117.

ClinVar aggregate classification (germline): Uncertain significance (1 of 4 stars; one submission).

Allele frequency attached by ClinVar (database versions not stated): gnomAD exomes below 0.00001.
gnomAD v4.1: 1 of 1,614,190 alleles (0.000062%); highest among the groups gnomAD compares: Non-Finnish European, 0.000085%; no homozygotes.

Submission:

GeneDx
Classification: Uncertain significance. Last evaluated: 2023-03-24. Review status: criteria provided, single submitter. Criteria: GeneDx Variant Classification Process June 2021. Collection method: clinical testing. Allele origin: germline. Affected: yes.
Comment: Not observed at significant frequency in large population cohorts (gnomAD); In silico analysis supports that this missense variant does not alter protein structure/function; Has not been previously published as pathogenic or benign to our knowledge